The following is an entry in ClinVar:

ClinVar aggregate classification (germline): Uncertain significance (1 of 4 stars; one submission).

Allele frequency attached by ClinVar (database versions not stated): gnomAD exomes 0.00001.
gnomAD v4.1: 3 of 781,434 alleles (0.00038%); highest among the groups gnomAD compares: African/African-American, 0.0051%; no homozygotes.

Submission:

Labcorp Genetics (formerly Invitae), Labcorp
Classification: Uncertain significance. Last evaluated: 2022-03-12. Review status: criteria provided, single submitter. Criteria: Invitae Variant Classification Sherloc (09022015). Collection method: clinical testing. Allele origin: germline.
Comment: In summary, the available evidence is currently insufficient to determine the role of this variant in disease. Therefore, it has been classified as a Variant of Uncertain Significance. Experimental studies and prediction algorithms are not available or were not evaluated, and the functional significance of this variant is currently unknown. This variant has not been reported in the literature in individuals affected with REEP6-related conditions. This variant is not present in population databases (gnomAD no frequency). This sequence change replaces alanine, which is neutral and non-polar, with valine, which is neutral and non-polar, at codon 190 of the REEP6 protein (p.Ala190Val).

NM_001329556.3(REEP6):c.569C>T (p.Ala190Val)

Gene: REEP6 (receptor accessory protein 6; plus strand). Cytogenetic location: 19p13.3.
Variant type: single nucleotide variant.
Coding change: c.569C>T on transcript NM_001329556.3 (MANE Plus Clinical); coding-DNA position 569, C replaced by T.
Protein change: p.Ala190Val; replaces alanine 190 with valine.
Molecular consequence: missense variant. On other transcripts: intron variant (1).
Genome position (GRCh38, 1-based): chr19:1,496,642, C>T. VCF-style: chr19-1496642-C-T. GRCh37 (hg19) VCF-style: chr19-1496641-C-T.
Other names: c.517+189C>T (NM_138393.4); short protein forms A190V.
Identifiers: ClinVar variation 2110164 (VCV002110164.2), dbSNP rs745554551, ClinGen allele CA9047647.
Genomic context (GRCh38, chr19:1,496,642, plus strand): 5'-GGGAACCAGTCTTGCAGGTCCTGGCCCGTAGCCGGGCAGGCATCACCCCGGTGGCTGTGG[C>T]CGGGCCCTCCACTCCCCTGGAAGCTGACCGTACGTAACCGCTGTGGGGAGATAGGAGCTG-3'
Protein context (NP_001316485.1, residues 180-200): SRAGITPVAV[Ala190Val]GPSTPLEADL